The following is an entry in ClinVar:

ClinVar aggregate classification (germline): Uncertain significance. Review status: criteria provided, multiple submitters, no conflicts (2 of 4 stars). 2 submissions from 2 submitters: Uncertain significance (2). Last evaluated 2022-11-28.

Allele frequency attached by ClinVar (database versions not stated): ExAC 0.00004.
gnomAD v4.1: 40 of 1,613,986 alleles (0.0025%); highest among the groups gnomAD compares: Non-Finnish European, 0.0026%; no homozygotes.

Submissions (2):

Labcorp Genetics (formerly Invitae), Labcorp
Classification: Uncertain significance. Last evaluated: 2022-11-28. Review status: criteria provided, single submitter. Criteria: Invitae Variant Classification Sherloc (09022015). Collection method: clinical testing. Allele origin: germline.
Comment: This variant is present in population databases (rs749000828, gnomAD 0.02%). This sequence change replaces isoleucine, which is neutral and non-polar, with arginine, which is basic and polar, at codon 424 of the BICC1 protein (p.Ile424Arg). This variant has not been reported in the literature in individuals affected with BICC1-related conditions. Algorithms developed to predict the effect of missense changes on protein structure and function are either unavailable or do not agree on the potential impact of this missense change (SIFT: "Deleterious"; PolyPhen-2: "Benign"; Align-GVGD: "Class C0"). In summary, the available evidence is currently insufficient to determine the role of this variant in disease. Therefore, it has been classified as a Variant of Uncertain Significance.

Ambry Genetics
Classification: Uncertain significance. Last evaluated: 2022-06-24. Review status: criteria provided, single submitter. Criteria: Ambry Variant Classification Scheme 2023. Collection method: clinical testing. Allele origin: germline.

NM_001080512.3(BICC1):c.1271T>G (p.Ile424Arg)

Gene: BICC1 (BicC family RNA binding protein 1; plus strand). Cytogenetic location: 10q21.1.
Variant type: single nucleotide variant.
Coding change: c.1271T>G on transcript NM_001080512.3 (MANE Select); coding-DNA position 1271, T replaced by G.
Protein change: p.Ile424Arg; replaces isoleucine 424 with arginine.
Molecular consequence: missense variant.
Genome position (GRCh38, 1-based): chr10:58,796,431, T>G. VCF-style: chr10-58796431-T-G. GRCh37 (hg19) VCF-style: chr10-60556191-T-G.
Other names: short protein forms I424R.
Identifiers: ClinVar variation 2346938 (VCV002346938.5), dbSNP rs749000828, ClinGen allele CA5508454.